The following is an entry in ClinVar:

NM_000532.5(PCCB):c.885-6C>G

Gene: PCCB (propionyl-CoA carboxylase subunit beta; plus strand). Cytogenetic location: 3q22.3.
Variant type: single nucleotide variant.
Coding change: c.885-6C>G on transcript NM_000532.5 (MANE Select); 6 bases into the intron before coding-DNA position 885, C replaced by G.
Molecular consequence: intron variant.
Genome position (GRCh38, 1-based): chr3:136,301,024, C>G. VCF-style: chr3-136301024-C-G. GRCh37 (hg19) VCF-style: chr3-136019866-C-G.
Other names: c.945-6C>G (NM_001178014.2).
Identifiers: ClinVar variation 2062941 (VCV002062941.4), dbSNP rs2529893653, ClinGen allele CA2580068818.

ClinVar aggregate classification (germline): Uncertain significance (1 of 4 stars; one submission).

Conditions:
Propionic acidemia (PROP). Also called: GLYCINEMIA, KETOTIC; HYPERGLYCINEMIA WITH KETOACIDOSIS AND LEUKOPENIA; KETOTIC HYPERGLYCINEMIA. Identifiers: Orphanet 35, MedGen C0268579, MONDO:0011628, OMIM 606054, HP:0003571.

Submission:

Labcorp Genetics (formerly Invitae), Labcorp
Classification: Uncertain significance for Propionic acidemia. Last evaluated: 2022-06-28. Review status: criteria provided, single submitter. Criteria: Invitae Variant Classification Sherloc (09022015). Collection method: clinical testing. Allele origin: germline.
Comment: This variant is not present in population databases (gnomAD no frequency). This variant has not been reported in the literature in individuals affected with PCCB-related conditions. Algorithms developed to predict the effect of sequence changes on RNA splicing suggest that this variant may create or strengthen a splice site. In summary, the available evidence is currently insufficient to determine the role of this variant in disease. Therefore, it has been classified as a Variant of Uncertain Significance. This sequence change falls in intron 8 of the PCCB gene. It does not directly change the encoded amino acid sequence of the PCCB protein.